The following is an entry in ClinVar:

NM_014236.4(GNPAT):c.286G>T (p.Val96Leu)

Gene: GNPAT (glyceronephosphate O-acyltransferase; plus strand). Cytogenetic location: 1q42.2.
Variant type: single nucleotide variant.
Coding change: c.286G>T on transcript NM_014236.4 (MANE Select); coding-DNA position 286, G replaced by T.
Protein change: p.Val96Leu; replaces valine 96 with leucine.
Molecular consequence: missense variant.
Genome position (GRCh38, 1-based): chr1:231,260,531, G>T. VCF-style: chr1-231260531-G-T. GRCh37 (hg19) VCF-style: chr1-231396277-G-T.
Other names: c.103G>T, p.Val35Leu (NM_001316350.2); short protein forms V96L, V35L.
Identifiers: ClinVar variation 296112 (VCV000296112.11), dbSNP rs139378588, ClinGen allele CA1451768.
Genomic context (GRCh38, chr1:231,260,531, plus strand): 5'-TGTTAGAAATTATTCCTGCTTTTCCTTTCCTTTTAGCTTTCCAAGGAATCCCTTCAATCT[G>T]TGGATGTCCTCCGAGAGGAAGTGAGTGAGATCTTAGATGAAATGAGTCACAAACTGCGTC-3'
Protein context (NP_055051.1, residues 86-106): KQLSKESLQS[Val96Leu]DVLREEVSEI

ClinVar aggregate classification (germline): Uncertain significance. Review status: criteria provided, multiple submitters, no conflicts (2 of 4 stars). 3 submissions from 3 submitters: Uncertain significance (3). Last evaluated 2025-02-01.

Conditions:
Rhizomelic chondrodysplasia punctata type 2 (RCDP2). Also called: DIHYDROXYACETONEPHOSPHATE ACYLTRANSFERASE DEFICIENCY; glyceronephosphate O-acyltransferase (GNPAT) deficiency; Glyceronephosphate O-acyltransferase deficiency; DHAPAT DEFICIENCY; PEROXISOMAL DIHYDROXYACETONEPHOSPHATE ACYLTRANSFERASE DEFICIENCY; Chondrodysplasia punctata, rhizomelic, due to dihydroxyacetonephosphate acyltransferase deficiency. Identifiers: Orphanet 177, Orphanet 309796, MedGen C1857242, MONDO:0100273, OMIM 222765. Disease mechanism: loss of function.
Inborn genetic diseases. Identifiers: MedGen C0950123, MeSH D030342.

Allele frequency attached by ClinVar (database versions not stated): ExAC 0.00025; gnomAD exomes 0.00023; gnomAD 0.00025; ESP Exome Variant Server 0.00031; TOPMed 0.00016.
gnomAD v4.1: 382 of 1,609,960 alleles (0.024%); highest among the groups gnomAD compares: Non-Finnish European, 0.028%; no homozygotes.

Submissions (3):

Ambry Genetics
Classification: Uncertain significance for Inborn genetic diseases. Last evaluated: 2025-02-01. Review status: criteria provided, single submitter. Criteria: Ambry Variant Classification Scheme 2023. Collection method: clinical testing. Allele origin: germline.

Labcorp Genetics (formerly Invitae), Labcorp
Classification: Uncertain significance. Last evaluated: 2024-04-15. Review status: criteria provided, single submitter. Criteria: Invitae Variant Classification Sherloc (09022015). Collection method: clinical testing. Allele origin: germline.
Comment: This sequence change replaces valine, which is neutral and non-polar, with leucine, which is neutral and non-polar, at codon 96 of the GNPAT protein (p.Val96Leu). This variant is present in population databases (rs139378588, gnomAD 0.05%). This variant has not been reported in the literature in individuals affected with GNPAT-related conditions. ClinVar contains an entry for this variant (Variation ID: 296112). Advanced modeling of protein sequence and biophysical properties (such as structural, functional, and spatial information, amino acid conservation, physicochemical variation, residue mobility, and thermodynamic stability) performed at Invitae indicates that this missense variant is not expected to disrupt GNPAT protein function with a negative predictive value of 80%. In summary, the available evidence is currently insufficient to determine the role of this variant in disease. Therefore, it has been classified as a Variant of Uncertain Significance.

Illumina Laboratory Services, Illumina
Classification: Uncertain significance for Rhizomelic chondrodysplasia punctata type 2. Last evaluated: 2018-01-12. Review status: criteria provided, single submitter. Criteria: ICSL Variant Classification Criteria 13 December 2019. Collection method: clinical testing. Allele origin: germline.